The following is an entry in ClinVar:

ClinVar aggregate classification (germline): Uncertain significance. Review status: criteria provided, multiple submitters, no conflicts (2 of 4 stars). 2 submissions from 2 submitters: Uncertain significance (2). Last evaluated 2025-11-04.

Conditions:
Hereditary cancer-predisposing syndrome. Also called: Tumor predisposition; Hereditary Cancer Syndrome; Hereditary neoplastic syndrome; Neoplastic Syndromes, Hereditary. Identifiers: Orphanet 140162, MedGen C0027672, MeSH D009386, MONDO:0015356.
Gastrointestinal stromal tumor. Also called: Gastrointestinal stroma tumor; Gastrointestinal stromal tumor, somatic. Identifiers: Orphanet 44890, MedGen C0238198, MeSH D046152, MONDO:0011719, OMIM 606764, HP:0100723.

Submissions (2):

Ambry Genetics
Classification: Uncertain significance for Hereditary cancer-predisposing syndrome. Last evaluated: 2025-11-04. Review status: criteria provided, single submitter. Criteria: Ambry Variant Classification Scheme 2023. Collection method: clinical testing. Allele origin: germline.
Comment: The p.K884R variant (also known as c.2651A>G), located in coding exon 19 of the KIT gene, results from an A to G substitution at nucleotide position 2651. The lysine at codon 884 is replaced by arginine, an amino acid with highly similar properties. This amino acid position is well conserved in available vertebrate species. In addition, the in silico prediction for this alteration is inconclusive. Based on the available evidence, the clinical significance of this variant remains unclear.

Labcorp Genetics (formerly Invitae), Labcorp
Classification: Uncertain significance for Gastrointestinal stromal tumor. Last evaluated: 2025-10-15. Review status: criteria provided, single submitter. Criteria: Invitae Variant Classification Sherloc (09022015). Collection method: clinical testing. Allele origin: germline.
Comment: This sequence change replaces lysine, which is basic and polar, with arginine, which is basic and polar, at codon 884 of the KIT protein (p.Lys884Arg). This variant is not present in population databases (gnomAD no frequency). This variant has not been reported in the literature in individuals affected with KIT-related conditions. ClinVar contains an entry for this variant (Variation ID: 1426138). An algorithm developed to predict the effect of missense changes on protein structure and function (PolyPhen-2) suggests that this variant is likely to be disruptive. In summary, the available evidence is currently insufficient to determine the role of this variant in disease. Therefore, it has been classified as a Variant of Uncertain Significance.

NM_000222.3(KIT):c.2651A>G (p.Lys884Arg)

Gene: KIT (KIT proto-oncogene, receptor tyrosine kinase; plus strand). Cytogenetic location: 4q12.
Variant type: single nucleotide variant.
Coding change: c.2651A>G on transcript NM_000222.3 (MANE Select); coding-DNA position 2651, A replaced by G.
Protein change: p.Lys884Arg; replaces lysine 884 with arginine.
Molecular consequence: missense variant.
Genome position (GRCh38, 1-based): chr4:54,736,775, A>G. VCF-style: chr4-54736775-A-G. GRCh37 (hg19) VCF-style: chr4-55602941-A-G.
Other names: c.2651A>G (NM_000222.2); c.2639A>G, p.Lys880Arg (NM_001093772.2, NM_001385292.1); c.2654A>G, p.Lys885Arg (NM_001385284.1); c.2648A>G, p.Lys883Arg (NM_001385285.1); c.2636A>G, p.Lys879Arg (NM_001385286.1); c.2642A>G, p.Lys881Arg (NM_001385288.1); c.2651A>G, p.Lys884Arg (NM_001385290.1); short protein forms K884R, K879R, K885R, K880R, K881R, K883R.
Identifiers: ClinVar variation 1426138 (VCV001426138.7), dbSNP rs1722944030, ClinGen allele CA356913907.
Genomic context (GRCh38, chr4:54,736,775, plus strand): 5'-TCTCAGGAAGCAGCCCCTATCCTGGAATGCCGGTCGATTCTAAGTTCTACAAGATGATCA[A>G]GGAAGGCTTCCGGATGCTCAGCCCTGAACACGCACCTGCTGAAATGTAAGAGCCAAAAAA-3'
Protein context (NP_000213.1, residues 874-894): PVDSKFYKMI[Lys884Arg]EGFRMLSPEH